The following is an entry in ClinVar:

ClinVar aggregate classification (germline): Uncertain significance (1 of 4 stars; one submission).

Conditions:
Inborn genetic diseases. Identifiers: MedGen C0950123, MeSH D030342.

Submission:

Ambry Genetics
Classification: Uncertain significance for Inborn genetic diseases. Last evaluated: 2026-08-03. Review status: criteria provided, single submitter. Criteria: Ambry Variant Classification Scheme 2023. Collection method: clinical testing. Allele origin: germline.
Comment: The p.P54L variant (also known as c.161C>T), located in coding exon 2 of the CEP57 gene, results from a C to T substitution at nucleotide position 161. The proline at codon 54 is replaced by leucine, an amino acid with similar properties. This amino acid position is conserved. In addition, this alteration is predicted to be tolerated by in silico analysis. Based on the available evidence, the clinical significance of this variant remains unclear.

NM_014679.5(CEP57):c.161C>T (p.Pro54Leu)

Gene: CEP57 (centrosomal protein 57; plus strand). Cytogenetic location: 11q21.
Variant type: single nucleotide variant.
Coding change: c.161C>T on transcript NM_014679.5 (MANE Select); coding-DNA position 161, C replaced by T.
Protein change: p.Pro54Leu; replaces proline 54 with leucine.
Molecular consequence: missense variant.
Genome position (GRCh38, 1-based): chr11:95,799,347, C>T. VCF-style: chr11-95799347-C-T. GRCh37 (hg19) VCF-style: chr11-95532511-C-T.
Other names: c.161C>T, p.Pro54Leu (NM_001440871.1, NM_001440872.1, NM_001440873.1 and 6 more transcripts); c.80C>T, p.Pro27Leu (NM_001440875.1, NM_001440877.1, NM_001440878.1 and 4 more transcripts); c.134C>T, p.Pro45Leu (NM_001243776.2); short protein forms P45L, P54L, P27L.
Identifiers: ClinVar variation 5034383 (VCV005034383.1).